The following is an entry in ClinVar:

NM_006231.4(POLE):c.1899C>A (p.Asn633Lys)

Gene: POLE (DNA polymerase epsilon, catalytic subunit; minus strand). Cytogenetic location: 12q24.33.
Variant type: single nucleotide variant.
Coding change: c.1899C>A on transcript NM_006231.4 (MANE Select); coding-DNA position 1899, C replaced by A.
Protein change: p.Asn633Lys; replaces asparagine 633 with lysine.
Molecular consequence: missense variant.
Genome position (GRCh38, 1-based): chr12:132,668,835, G>T on the plus strand (C>A on the coding strand, the complement: POLE is on the minus strand). VCF-style: chr12-132668835-G-T. GRCh37 (hg19) VCF-style: chr12-133245421-G-T.
Other names: short protein forms N633K.
Identifiers: ClinVar variation 1397685 (VCV001397685.8), dbSNP rs748584449, ClinGen allele CA387355313.

ClinVar aggregate classification (germline): Uncertain significance (1 of 4 stars; one submission).

Submission:

Labcorp Genetics (formerly Invitae), Labcorp
Classification: Uncertain significance. Last evaluated: 2021-05-27. Review status: criteria provided, single submitter. Criteria: Invitae Variant Classification Sherloc (09022015). Collection method: clinical testing. Allele origin: germline.
Comment: This sequence change replaces asparagine with lysine at codon 633 of the POLE protein (p.Asn633Lys). The asparagine residue is highly conserved and there is a moderate physicochemical difference between asparagine and lysine. This variant is not present in population databases (ExAC no frequency). This variant has not been reported in the literature in individuals with POLE-related conditions. Algorithms developed to predict the effect of missense changes on protein structure and function (SIFT, PolyPhen-2, Align-GVGD) all suggest that this variant is likely to be disruptive, but these predictions have not been confirmed by published functional studies and their clinical significance is uncertain. In summary, the available evidence is currently insufficient to determine the role of this variant in disease. Therefore, it has been classified as a Variant of Uncertain Significance.